The following is an entry in ClinVar:

NM_004839.4(HOMER2):c.89A>G (p.Gln30Arg)

Gene: HOMER2 (homer scaffold protein 2; minus strand). Cytogenetic location: 15q25.2.
Variant type: single nucleotide variant.
Coding change: c.89A>G on transcript NM_004839.4 (MANE Select); coding-DNA position 89, A replaced by G.
Protein change: p.Gln30Arg; replaces glutamine 30 with arginine.
Molecular consequence: missense variant.
Genome position (GRCh38, 1-based): chr15:82,892,758, T>C on the plus strand (A>G on the coding strand, the complement: HOMER2 is on the minus strand). VCF-style: chr15-82892758-T-C. GRCh37 (hg19) VCF-style: chr15-83561510-T-C.
Other names: c.89A>G, p.Gln30Arg (NM_199330.3); short protein forms Q30R.
Identifiers: ClinVar variation 1050067 (VCV001050067.4), dbSNP rs189123186, ClinGen allele CA7702277.

ClinVar aggregate classification (germline): Likely benign. Review status: criteria provided, single submitter (1 of 4 stars). 2 submissions from 2 submitters: Likely benign (1). 1 of the submissions does not count toward it. Last evaluated 2023-10-27.

Allele frequency attached by ClinVar (database versions not stated): ExAC 0.00002; gnomAD exomes 0.00002; gnomAD 0.00011; TOPMed 0.00011; ESP Exome Variant Server 0.00016; 1000 Genomes Project 30x 0.00047; 1000 Genomes Project 0.00060.
gnomAD v4.1: 43 of 1,607,076 alleles (0.0027%); highest among the groups gnomAD compares: African/African-American, 0.044%; no homozygotes.

Submissions (2):

Labcorp Genetics (formerly Invitae), Labcorp
Classification: Likely benign. Last evaluated: 2023-10-27. Review status: criteria provided, single submitter. Criteria: Invitae Variant Classification Sherloc (09022015). Collection method: clinical testing. Allele origin: germline.

Department of Pathology and Laboratory Medicine, Sinai Health System
Classification: Uncertain significance. Review status: no assertion criteria provided. Collection method: clinical testing. Allele origin: unknown. Affected: yes. Study: The Canadian Open Genetics Repository (COGR). Not counted in ClinVar's aggregate classification.
Comment: The HOMER2 p.Gln30Arg variant was not identified in the literature nor was it identified in ClinVar, Cosmic or LOVD 3.0. The variant was identified in dbSNP (ID: rs189123186) and in control databases in 7 of 280376 chromosomes at a frequency of 0.000025 (Genome Aggregation Database Feb 27, 2017). The variant was observed in the following populations: African in 6 of 24190 chromosomes (freq: 0.000248) and European (non-Finnish) in 1 of 128344 chromosomes (freq: 0.000008); it was not observed in the Latino, Ashkenazi Jewish, East Asian, European (Finnish), Other, and South Asian populations. The p.Gln30 residue is conserved in mammals and computational analyses (PolyPhen-2, SIFT, AlignGVGD, BLOSUM, MutationTaster) provide inconsistent predictions regarding the impact to the protein; this information is not very predictive of pathogenicity. The variant occurs outside of the splicing consensus sequence and in silico or computational prediction software programs (SpliceSiteFinder, MaxEntScan, NNSPLICE, GeneSplicer) do not predict a difference in splicing. In summary, based on the above information the clinical significance of this variant cannot be determined with certainty at this time. This variant is classified as a variant of uncertain significance.